The following is an entry in ClinVar:

ClinVar aggregate classification (germline): Uncertain significance (1 of 4 stars; one submission).

Allele frequency attached by ClinVar (database versions not stated): gnomAD exomes below 0.00001.
gnomAD v4.1: 1 of 1,613,762 alleles (0.000062%); highest among the groups gnomAD compares: Non-Finnish European, 0.000085%; no homozygotes.

Submission:

GeneDx
Classification: Uncertain significance. Last evaluated: 2025-07-31. Review status: criteria provided, single submitter. Criteria: GeneDx Variant Classification Process June 2021. Collection method: clinical testing. Allele origin: germline. Affected: yes.
Comment: Not observed at significant frequency in large population cohorts (gnomAD); In silico analysis supports that this missense variant has a deleterious effect on protein structure/function; Has not been previously published as pathogenic or benign to our knowledge

NM_138615.3(DHX30):c.3064G>A (p.Gly1022Ser)

Gene: DHX30 (DExH-box helicase 30; plus strand). Cytogenetic location: 3p21.31.
Variant type: single nucleotide variant.
Coding change: c.3064G>A on transcript NM_138615.3 (MANE Select); coding-DNA position 3064, G replaced by A.
Protein change: p.Gly1022Ser; replaces glycine 1022 with serine.
Molecular consequence: missense variant.
Genome position (GRCh38, 1-based): chr3:47,849,326, G>A. VCF-style: chr3-47849326-G-A. GRCh37 (hg19) VCF-style: chr3-47890816-G-A.
Other names: c.2980G>A, p.Gly994Ser (NM_001330990.2); c.2947G>A, p.Gly983Ser (NM_014966.4); short protein forms G1022S, G983S, G994S.
Identifiers: ClinVar variation 1315560 (VCV001315560.3), dbSNP rs2037866416, ClinGen allele CA352593663.